The following is an entry in ClinVar:

ClinVar aggregate classification (germline): Conflicting classifications of pathogenicity. Review status: criteria provided, conflicting classifications (1 of 4 stars). 2 submissions from 2 submitters: Uncertain significance (1); Likely benign (1). Last evaluated 2024-08-05.

Conditions:
Cardiovascular phenotype. Identifiers: MedGen CN230736.
Long QT syndrome (LQTS). Identifiers: MedGen C0023976, MeSH D008133, MONDO:0002442. Disease mechanism: loss of function. Inheritance: Various modes of inheritance.

Submissions (2):

Ambry Genetics
Classification: Likely benign for Cardiovascular phenotype. Last evaluated: 2024-08-05. Review status: criteria provided, single submitter. Criteria: Ambry Variant Classification Scheme 2023. Collection method: clinical testing. Allele origin: germline.

Labcorp Genetics (formerly Invitae), Labcorp
Classification: Uncertain significance for Long QT syndrome. Last evaluated: 2023-01-23. Review status: criteria provided, single submitter. Criteria: Invitae Variant Classification Sherloc (09022015). Collection method: clinical testing. Allele origin: germline.
Comment: This variant is not present in population databases (gnomAD no frequency). This sequence change replaces glutamine, which is neutral and polar, with lysine, which is basic and polar, at codon 400 of the KCNJ5 protein (p.Gln400Lys). This variant has not been reported in the literature in individuals affected with KCNJ5-related conditions. In summary, the available evidence is currently insufficient to determine the role of this variant in disease. Therefore, it has been classified as a Variant of Uncertain Significance. Advanced modeling of protein sequence and biophysical properties (such as structural, functional, and spatial information, amino acid conservation, physicochemical variation, residue mobility, and thermodynamic stability) performed at Invitae indicates that this missense variant is not expected to disrupt KCNJ5 protein function. ClinVar contains an entry for this variant (Variation ID: 1746502).

NM_000890.5(KCNJ5):c.1198C>A (p.Gln400Lys)

Gene: KCNJ5 (potassium inwardly rectifying channel subfamily J member 5; plus strand). Cytogenetic location: 11q24.3.
Variant type: single nucleotide variant.
Coding change: c.1198C>A on transcript NM_000890.5 (MANE Select); coding-DNA position 1198, C replaced by A.
Protein change: p.Gln400Lys; replaces glutamine 400 with lysine.
Molecular consequence: missense variant.
Genome position (GRCh38, 1-based): chr11:128,916,669, C>A. VCF-style: chr11-128916669-C-A. GRCh37 (hg19) VCF-style: chr11-128786564-C-A.
Other names: c.1198C>A, p.Gln400Lys (NM_001354169.2); short protein forms Q400K.
Identifiers: ClinVar variation 1746502 (VCV001746502.8), dbSNP rs1272227612, ClinGen allele CA383236207.
Genomic context (GRCh38, chr11:128,916,669, plus strand): 5'-CTCCCCAGCCCCCCACTGCTGGGGGGCTGTGCTGAGGCAGGGCTGGATGCAGAGGCTGAG[C>A]AGAATGAAGAAGATGAGCCCAAGGGGCTGGGTGGGTCCAGGGAGGCCAGGGGCTCGGTGT-3'
Protein context (NP_000881.3, residues 390-410): AEAGLDAEAE[Gln400Lys]NEEDEPKGLG